The following is an entry in ClinVar:

NM_000264.5(PTCH1):c.3731_3749del (p.Gln1244fs)

Gene: PTCH1 (patched 1; minus strand). Cytogenetic location: 9q22.32.
Variant type: Deletion.
Coding change: c.3731_3749del on transcript NM_000264.5 (MANE Select); coding-DNA positions 3731 to 3749, 19 bases deleted (AGCAGGGCGCGGGAGGCCC).
Protein change: p.Gln1244fs; shifts the reading frame from glutamine 1244.
Molecular consequence: frameshift variant. On other transcripts: non-coding transcript variant (1).
Genome position (GRCh38, 1-based): chr9:95,449,124-95,449,142, GGGCCTCCCGCGCCCTGCT deleted on the plus strand (AGCAGGGCGCGGGAGGCCC on the coding strand, the reverse complement: PTCH1 is on the minus strand); deleting any 19 consecutive bases within chr9:95,449,124-95,449,149 gives the same sequence; the c. name uses the placement nearest the transcript's 3' end. VCF-style (leftmost placement, unchanged base first): chr9-95449123-AGGGCCTCCCGCGCCCTGCT-A. GRCh37 (hg19) VCF-style: chr9-98211405-AGGGCCTCCCGCGCCCTGCT-A.
Other names: c.3533_3551del, p.Gln1178fs (NM_001083602.3); c.3728_3746del, p.Gln1243fs (NM_001083603.3); c.3278_3296del, p.Gln1093fs (NM_001083604.3, NM_001083605.3, NM_001083606.3 and 1 more transcripts); c.3575_3593del, p.Gln1192fs (NM_001354918.2); short protein forms Q1192fs, Q1243fs, Q1093fs, Q1178fs, Q1244fs.
Identifiers: ClinVar variation 1510891 (VCV001510891.6), dbSNP rs2136597743, ClinGen allele CA2573144836.

ClinVar aggregate classification (germline): Uncertain significance (1 of 4 stars; one submission).

Conditions:
Gorlin syndrome. Also called: Basal cell nevus syndrome; Nevoid Basal Cell Carcinoma Syndrome. Identifiers: Orphanet 377, MedGen C0004779, MONDO:0007187.

Submission:

Labcorp Genetics (formerly Invitae), Labcorp
Classification: Uncertain significance for Gorlin syndrome. Last evaluated: 2021-08-07. Review status: criteria provided, single submitter. Criteria: Invitae Variant Classification Sherloc (09022015). Collection method: clinical testing. Allele origin: germline.
Comment: Experimental studies and prediction algorithms are not available or were not evaluated, and the functional significance of this variant is currently unknown. This variant has not been reported in the literature in individuals affected with PTCH1-related conditions. This variant is not present in population databases (ExAC no frequency). This sequence change creates a premature translational stop signal (p.Gln1244Leufs*5) in the PTCH1 gene. While this is not anticipated to result in nonsense mediated decay, it is expected to disrupt the last 204 amino acid(s) of the PTCH1 protein. In summary, the available evidence is currently insufficient to determine the role of this variant in disease. Therefore, it has been classified as a Variant of Uncertain Significance.